The following is an entry in ClinVar:

NM_004817.4(TJP2):c.952+1_952+732del

Gene: TJP2 (tight junction protein 2; plus strand). Cytogenetic location: 9q21.11.
Variant type: Deletion.
Coding change: c.952+1_952+732del on transcript NM_004817.4 (MANE Select); the canonical splice donor site of the intron after coding-DNA position 952 through 732 bases into the intron after coding-DNA position 952, 732 bases deleted.
Molecular consequence: splice donor variant.
Genome position (GRCh38, 1-based): chr9:69,221,497-69,222,228, 732 bases deleted. GRCh37 (hg19): chr9:71,836,413-71,837,144.
Other names: c.883+1_883+732del (NM_001170414.2, NM_001369870.1, NM_001369871.1); c.952+1_952+732del (NM_201629.3, NM_001369872.1, NM_001369873.1); c.964+1_964+732del (NM_001170415.1, NM_001369875.1, NM_001369874.1); c.1045+1_1045+732del (NM_001170416.2).
Identifiers: ClinVar variation 2102757 (VCV002102757.4), dbSNP rs2538453573, ClinGen allele CA2580080539.

ClinVar aggregate classification (germline): Likely pathogenic (1 of 4 stars; one submission).

Submission:

Labcorp Genetics (formerly Invitae), Labcorp
Classification: Likely pathogenic. Last evaluated: 2024-02-24. Review status: criteria provided, single submitter. Criteria: Invitae Variant Classification Sherloc (09022015). Collection method: clinical testing. Allele origin: germline.
Comment: This sequence change affects a splice site in intron 5 of the TJP2 gene. It is expected to disrupt RNA splicing. Variants that disrupt the donor or acceptor splice site typically lead to a loss of protein function (PMID: 16199547), and loss-of-function variants in TJP2 are known to be pathogenic (PMID: 24614073, 25921221, 28039895). This variant is not present in population databases (gnomAD no frequency). This variant has not been reported in the literature in individuals affected with TJP2-related conditions. ClinVar contains an entry for this variant (Variation ID: 2102757). Experimental studies and prediction algorithms are not available or were not evaluated, and the effect of this variant on mRNA splicing is currently unknown. In summary, the currently available evidence indicates that the variant is pathogenic, but additional data are needed to prove that conclusively. Therefore, this variant has been classified as Likely Pathogenic.

Literature cited by the submitters: PubMed 16199547; PubMed 24614073; PubMed 25921221; PubMed 28039895.